The following is an entry in ClinVar:

NM_001035.3(RYR2):c.294+14T>A

Gene: RYR2 (ryanodine receptor 2; plus strand). Cytogenetic location: 1q43.
Variant type: single nucleotide variant.
Coding change: c.294+14T>A on transcript NM_001035.3 (MANE Select); 14 bases into the intron after coding-DNA position 294, T replaced by A.
Molecular consequence: intron variant.
Genome position (GRCh38, 1-based): chr1:237,355,999, T>A. VCF-style: chr1-237355999-T-A. GRCh37 (hg19) VCF-style: chr1-237519299-T-A.
Identifiers: ClinVar variation 668304 (VCV000668304.1), dbSNP rs1571955772, ClinGen allele CA915942065.

ClinVar aggregate classification (germline): Likely benign (1 of 4 stars; one submission).

gnomAD v4.1: 1 of 1,605,656 alleles (0.000062%); highest among the groups gnomAD compares: East Asian, 0.0022%; no homozygotes.

Submission:

GeneDx
Classification: Likely benign. Last evaluated: 2018-05-10. Review status: criteria provided, single submitter. Criteria: GeneDx Variant Classification (06012015). Collection method: clinical testing. Allele origin: germline. Affected: yes.
Comment: This variant is considered likely benign or benign based on one or more of the following criteria: it is a conservative change, it occurs at a poorly conserved position in the protein, it is predicted to be benign by multiple in silico algorithms, and/or has population frequency not consistent with disease.